The following is an entry in ClinVar:

ClinVar aggregate classification (germline): Uncertain significance. Review status: criteria provided, multiple submitters, no conflicts (2 of 4 stars). 3 submissions from 3 submitters: Uncertain significance (3). Last evaluated 2024-09-18.

Conditions:
Fanconi anemia complementation group J. Also called: BRIP1-Related Fanconi Anemia. Identifiers: Orphanet 84, MedGen C1836860, MONDO:0012187, OMIM 609054.
Familial cancer of breast. Also called: BREAST CANCER, FAMILIAL; Hereditary breast cancer; hereditary breast carcinoma. Identifiers: Orphanet 227535, MedGen C0346153, MONDO:0016419, OMIM 114480. Disease mechanism: loss of function.
Hereditary cancer-predisposing syndrome. Also called: Tumor predisposition; Neoplastic Syndromes, Hereditary; Hereditary Cancer Syndrome; Hereditary neoplastic syndrome. Identifiers: Orphanet 140162, MedGen C0027672, MeSH D009386, MONDO:0015356.

Submissions (3):

Quest Diagnostics Nichols Institute San Juan Capistrano
Classification: Uncertain significance. Last evaluated: 2024-09-18. Review status: criteria provided, single submitter. Criteria: Quest Diagnostics criteria. Collection method: clinical testing. Allele origin: unknown.
Comment: The BRIP1 c.961G>A (p.Asp321Asn) variant has not been reported in individuals with BRIP1-related conditions in the published literature. It also has not been reported in large, multi-ethnic general populations (Genome Aggregation Database). Analysis of this variant using bioinformatics tools for the prediction of the effect of amino acid changes on protein structure and function yielded predictions that this variant is benign. Based on the available information, we are unable to determine the clinical significance of this variant.

Labcorp Genetics (formerly Invitae), Labcorp
Classification: Uncertain significance for Familial cancer of breast; Fanconi anemia complementation group J. Last evaluated: 2023-09-06. Review status: criteria provided, single submitter. Criteria: Invitae Variant Classification Sherloc (09022015). Collection method: clinical testing. Allele origin: germline.
Comment: In summary, the available evidence is currently insufficient to determine the role of this variant in disease. Therefore, it has been classified as a Variant of Uncertain Significance. Advanced modeling of protein sequence and biophysical properties (such as structural, functional, and spatial information, amino acid conservation, physicochemical variation, residue mobility, and thermodynamic stability) performed at Invitae indicates that this missense variant is not expected to disrupt BRIP1 protein function. ClinVar contains an entry for this variant (Variation ID: 1767594). This variant has not been reported in the literature in individuals affected with BRIP1-related conditions. This variant is not present in population databases (gnomAD no frequency). This sequence change replaces aspartic acid, which is acidic and polar, with asparagine, which is neutral and polar, at codon 321 of the BRIP1 protein (p.Asp321Asn).

Ambry Genetics
Classification: Uncertain significance for Hereditary cancer-predisposing syndrome. Last evaluated: 2022-06-11. Review status: criteria provided, single submitter. Criteria: Ambry Variant Classification Scheme 2023. Collection method: clinical testing. Allele origin: germline.
Comment: The p.D321N variant (also known as c.961G>A), located in coding exon 7 of the BRIP1 gene, results from a G to A substitution at nucleotide position 961. The aspartic acid at codon 321 is replaced by asparagine, an amino acid with highly similar properties. This amino acid position is conserved. In addition, this alteration is predicted to be tolerated by in silico analysis. Since supporting evidence is limited at this time, the clinical significance of this alteration remains unclear.

NM_032043.3(BRIP1):c.961G>A (p.Asp321Asn)

Gene: BRIP1 (BRCA1 interacting DNA helicase 1; minus strand). Cytogenetic location: 17q23.2.
Variant type: single nucleotide variant.
Coding change: c.961G>A on transcript NM_032043.3 (MANE Select); coding-DNA position 961, G replaced by A.
Protein change: p.Asp321Asn; replaces aspartic acid 321 with asparagine.
Molecular consequence: missense variant.
Genome position (GRCh38, 1-based): chr17:61,801,432, C>T on the plus strand (G>A on the coding strand, the complement: BRIP1 is on the minus strand). VCF-style: chr17-61801432-C-T. GRCh37 (hg19) VCF-style: chr17-59878793-C-T.
Other names: short protein forms D321N.
Identifiers: ClinVar variation 1767594 (VCV001767594.6), dbSNP rs2077992703, ClinGen allele CA400484233.